The following is an entry in ClinVar:

NM_001130009.3(GEN1):c.1057T>G (p.Leu353Val)

Gene: GEN1 (GEN1 Holliday junction 5' flap endonuclease; plus strand). Cytogenetic location: 2p24.2.
Variant type: single nucleotide variant.
Coding change: c.1057T>G on transcript NM_001130009.3 (MANE Select); coding-DNA position 1057, T replaced by G.
Protein change: p.Leu353Val; replaces leucine 353 with valine.
Molecular consequence: missense variant.
Genome position (GRCh38, 1-based): chr2:17,773,285, T>G. VCF-style: chr2-17773285-T-G. GRCh37 (hg19) VCF-style: chr2-17954552-T-G.
Other names: c.1057T>G, p.Leu353Val (NM_182625.5); short protein forms L353V.
Identifiers: ClinVar variation 3853624 (VCV003853624.1).

ClinVar aggregate classification (germline): Uncertain significance (1 of 4 stars; one submission).

Submission:

Ambry Genetics
Classification: Uncertain significance. Last evaluated: 2025-03-10. Review status: criteria provided, single submitter. Criteria: Ambry Variant Classification Scheme 2023. Collection method: clinical testing. Allele origin: germline.
Comment: The p.L353V variant (also known as c.1057T>G), located in coding exon 9 of the GEN1 gene, results from a T to G substitution at nucleotide position 1057. The leucine at codon 353 is replaced by valine, an amino acid with highly similar properties. This amino acid position is conserved. In addition, this alteration is predicted to be tolerated by in silico analysis. Based on the available evidence, the clinical significance of this variant remains unclear.